The following is an entry in ClinVar:

ClinVar aggregate classification (germline): Uncertain significance. Review status: criteria provided, multiple submitters, no conflicts (2 of 4 stars). 2 submissions from 2 submitters: Uncertain significance (2). Last evaluated 2022-07-17.

Conditions:
Nemaline myopathy 2 (NEM2). Also called: Nemaline myopathy 2, autosomal recessive. Identifiers: MedGen C1850569, MONDO:0009725, OMIM 256030.

Submissions (2):

Labcorp Genetics (formerly Invitae), Labcorp
Classification: Uncertain significance for Nemaline myopathy 2. Last evaluated: 2022-07-17. Review status: criteria provided, single submitter. Criteria: Invitae Variant Classification Sherloc (09022015). Collection method: clinical testing. Allele origin: germline.
Comment: This sequence change replaces isoleucine, which is neutral and non-polar, with valine, which is neutral and non-polar, at codon 1304 of the NEB protein (p.Ile1304Val). This variant is not present in population databases (gnomAD no frequency). This variant has not been reported in the literature in individuals affected with NEB-related conditions. Algorithms developed to predict the effect of missense changes on protein structure and function are either unavailable or do not agree on the potential impact of this missense change (SIFT: "Deleterious"; PolyPhen-2: "Not Available"; Align-GVGD: "Class C0"). In summary, the available evidence is currently insufficient to determine the role of this variant in disease. Therefore, it has been classified as a Variant of Uncertain Significance.

Blueprint Genetics
Classification: Uncertain significance. Last evaluated: 2021-06-21. Review status: criteria provided, single submitter. Criteria: ACMG Guidelines, 2015. Collection method: clinical testing. Allele origin: germline.

NM_001164508.2(NEB):c.3910A>G (p.Ile1304Val)

Gene: NEB (nebulin; minus strand). Cytogenetic location: 2q23.3.
Variant type: single nucleotide variant.
Coding change: c.3910A>G on transcript NM_001164508.2 (MANE Select); coding-DNA position 3910, A replaced by G.
Protein change: p.Ile1304Val; replaces isoleucine 1304 with valine.
Molecular consequence: missense variant.
Genome position (GRCh38, 1-based): chr2:151,674,554, T>C on the plus strand (A>G on the coding strand, the complement: NEB is on the minus strand). VCF-style: chr2-151674554-T-C. GRCh37 (hg19) VCF-style: chr2-152531068-T-C.
Other names: c.3910A>G, p.Ile1304Val (NM_001164507.2, NM_001271208.2, NM_004543.5); short protein forms I1304V.
Identifiers: ClinVar variation 2090182 (VCV002090182.5), dbSNP rs2552261404, ClinGen allele CA348817775.